The following is an entry in ClinVar:

ClinVar aggregate classification (germline): Benign. Review status: criteria provided, multiple submitters, no conflicts (2 of 4 stars). 2 submissions from 2 submitters: Benign (2). Last evaluated 2018-06-18.

Allele frequency attached by ClinVar (database versions not stated): gnomAD exomes 0.01008 and 0.02569; ExAC 0.03024; gnomAD 0.09381 and 0.10038; ESP Exome Variant Server 0.09823; 1000 Genomes Project 0.10703; TOPMed 0.10749; 1000 Genomes Project 30x 0.11337.
gnomAD v4.1: 29,627 of 1,612,486 alleles (1.8%); highest among the groups gnomAD compares: African/African-American, 33%; 4,135 homozygotes.

Submissions (2):

GeneDx
Classification: Benign. Last evaluated: 2018-06-18. Review status: criteria provided, single submitter. Criteria: GeneDx Variant Classification (06012015). Collection method: clinical testing. Allele origin: germline. Affected: yes.
Comment: This variant is considered likely benign or benign based on one or more of the following criteria: it is a conservative change, it occurs at a poorly conserved position in the protein, it is predicted to be benign by multiple in silico algorithms, and/or has population frequency not consistent with disease.

Breakthrough Genomics
Classification: Benign. Review status: criteria provided, single submitter. Criteria: ACMG Guidelines, 2015. Collection method: not provided. Allele origin: germline. Inheritance: Autosomal recessive inheritance. Affected: yes.

NM_006440.5(TXNRD2):c.949+42C>T

Gene: TXNRD2 (thioredoxin reductase 2; minus strand). Cytogenetic location: 22q11.21.
Variant type: single nucleotide variant.
Coding change: c.949+42C>T on transcript NM_006440.5 (MANE Select); 42 bases into the intron after coding-DNA position 949, C replaced by T.
Molecular consequence: intron variant.
Genome position (GRCh38, 1-based): chr22:19,895,365, G>A on the plus strand (C>T on the coding strand, the complement: TXNRD2 is on the minus strand). VCF-style: chr22-19895365-G-A. GRCh37 (hg19) VCF-style: chr22-19882888-G-A.
Other names: c.946+42C>T (NM_001352300.2); c.661+42C>T (NM_001352302.2); c.859+42C>T (NM_001352301.2); c.949+42C>T (NM_001282512.3); c.853+42C>T (NM_001352303.2).
Identifiers: ClinVar variation 678667 (VCV000678667.2), dbSNP rs5992494, ClinGen allele CA10103928.